The following is an entry in ClinVar:

NM_005055.5(RAPSN):c.1166+185G>A

Gene: RAPSN (receptor associated protein of the synapse; minus strand). Cytogenetic location: 11p11.2.
Variant type: single nucleotide variant.
Coding change: c.1166+185G>A on transcript NM_005055.5 (MANE Select); 185 bases into the intron after coding-DNA position 1166, G replaced by A.
Molecular consequence: intron variant.
Genome position (GRCh38, 1-based): chr11:47,438,547, C>T on the plus strand (G>A on the coding strand, the complement: RAPSN is on the minus strand). VCF-style: chr11-47438547-C-T. GRCh37 (hg19) VCF-style: chr11-47460098-C-T.
Other names: c.989+185G>A (NM_032645.5).
Identifiers: ClinVar variation 669109 (VCV000669109.2), dbSNP rs10769267, ClinGen allele CA13483986.

ClinVar aggregate classification (germline): Benign. Review status: criteria provided, multiple submitters, no conflicts (2 of 4 stars). 2 submissions from 2 submitters: Benign (2). Last evaluated 2018-06-16.

Allele frequency attached by ClinVar (database versions not stated): gnomAD 0.61594 and 0.62238; TOPMed 0.61694; 1000 Genomes Project 30x 0.61852; 1000 Genomes Project 0.62500; gnomAD exomes 0.69765.
gnomAD v4.1: 440,484 of 647,192 alleles (68%); highest among the groups gnomAD compares: South Asian, 77%; 153,284 homozygotes.

Submissions (2):

GeneDx
Classification: Benign. Last evaluated: 2018-06-16. Review status: criteria provided, single submitter. Criteria: GeneDx Variant Classification (06012015). Collection method: clinical testing. Allele origin: germline. Affected: yes.
Comment: This variant is considered likely benign or benign based on one or more of the following criteria: it is a conservative change, it occurs at a poorly conserved position in the protein, it is predicted to be benign by multiple in silico algorithms, and/or has population frequency not consistent with disease.

Breakthrough Genomics
Classification: Benign. Review status: criteria provided, single submitter. Criteria: ACMG Guidelines, 2015. Collection method: not provided. Allele origin: germline. Inheritance: Autosomal recessive inheritance. Affected: yes.